The following is an entry in ClinVar:

NM_004438.5(EPHA4):c.2713C>A (p.Pro905Thr)

Gene: EPHA4 (EPH receptor A4; minus strand). Cytogenetic location: 2q36.1.
Variant type: single nucleotide variant.
Coding change: c.2713C>A on transcript NM_004438.5 (MANE Select); coding-DNA position 2713, C replaced by A.
Protein change: p.Pro905Thr; replaces proline 905 with threonine.
Molecular consequence: missense variant.
Genome position (GRCh38, 1-based): chr2:221,426,597, G>T on the plus strand (C>A on the coding strand, the complement: EPHA4 is on the minus strand). VCF-style: chr2-221426597-G-T. GRCh37 (hg19) VCF-style: chr2-222291317-G-T.
Other names: c.2713C>A, p.Pro905Thr (NM_001304536.2, NM_001363748.2); c.2560C>A, p.Pro854Thr (NM_001304537.2); short protein forms P854T, P905T.
Identifiers: ClinVar variation 2210268 (VCV002210268.5), dbSNP rs377085774, ClinGen allele CA2134687.
Genomic context (GRCh38, chr2:221,426,597, plus strand): 5'-TTTTAATGGCCTGGAGCCAATCGCCCACTGATACCACAGCAGAGAATTCAGGGGAGCTTG[G>T]ATCCAACAAGGCAGTGTTAGGTCTAGAAAGAGAACAAGAAAATATAAGCAGAACGGAGCT-3'
Protein context (NP_004429.1, residues 895-915): SSRPNTALLD[Pro905Thr]SSPEFSAVVS

ClinVar aggregate classification (germline): Uncertain significance. Review status: criteria provided, multiple submitters, no conflicts (2 of 4 stars). 2 submissions from 2 submitters: Uncertain significance (2). Last evaluated 2025-04-10.

Allele frequency attached by ClinVar (database versions not stated): gnomAD 0.00001; TOPMed 0.00001; gnomAD exomes 0.00002; ExAC 0.00003; ESP Exome Variant Server 0.00008.
gnomAD v4.1: 28 of 1,613,548 alleles (0.0017%); highest among the groups gnomAD compares: Non-Finnish European, 0.0023%; no homozygotes.

Submissions (2):

Ambry Genetics
Classification: Uncertain significance. Last evaluated: 2025-04-10. Review status: criteria provided, single submitter. Criteria: Ambry Variant Classification Scheme 2023. Collection method: clinical testing. Allele origin: germline.

Labcorp Genetics (formerly Invitae), Labcorp
Classification: Uncertain significance. Last evaluated: 2024-08-14. Review status: criteria provided, single submitter. Criteria: Invitae Variant Classification Sherloc (09022015). Collection method: clinical testing. Allele origin: germline.
Comment: This sequence change replaces proline, which is neutral and non-polar, with threonine, which is neutral and polar, at codon 905 of the EPHA4 protein (p.Pro905Thr). This variant is present in population databases (rs377085774, gnomAD 0.007%). This variant has not been reported in the literature in individuals affected with EPHA4-related conditions. ClinVar contains an entry for this variant (Variation ID: 2210268). Invitae Evidence Modeling of protein sequence and biophysical properties (such as structural, functional, and spatial information, amino acid conservation, physicochemical variation, residue mobility, and thermodynamic stability) indicates that this missense variant is not expected to disrupt EPHA4 protein function with a negative predictive value of 80%. In summary, the available evidence is currently insufficient to determine the role of this variant in disease. Therefore, it has been classified as a Variant of Uncertain Significance.